The following is an entry in ClinVar:

NM_000090.4(COL3A1):c.1348-4del

Gene: COL3A1 (collagen type III alpha 1 chain; plus strand). Cytogenetic location: 2q32.2.
Variant type: Deletion.
Coding change: c.1348-4del on transcript NM_000090.4 (MANE Select); 4 bases into the intron before coding-DNA position 1348, one base deleted (T; older notation c.1348-4delT).
Molecular consequence: intron variant.
Genome position (GRCh38, 1-based): chr2:188,994,720, T deleted; the last of 12 consecutive T bases (chr2:188,994,709-188,994,720); deleting any one gives the same sequence. VCF-style (leftmost placement, unchanged base first): chr2-188994708-CT-C. GRCh37 (hg19) VCF-style: chr2-189859434-CT-C.
Other names: c.1348-4delT (NM_000090.3).
Identifiers: ClinVar variation 199694 (VCV000199694.21), dbSNP rs758567906, ClinGen allele CA004261.

ClinVar aggregate classification (germline): Benign/Likely benign. Review status: criteria provided, multiple submitters, no conflicts (2 of 4 stars). 6 submissions from 5 submitters: Benign (4); Likely benign (1). 1 of the submissions does not count toward it. Last evaluated 2026-02-04.

Conditions:
Familial thoracic aortic aneurysm and aortic dissection (TAAD). Also called: Thoracic aortic aneurysms and dissections. Identifiers: Orphanet 91387, MedGen C4707243, MONDO:0019625.
Ehlers-Danlos syndrome, type 4 (EDSVASC). Also called: Ehlers-Danlos syndrome vascular type; Ehlers Danlos syndrome, ecchymotic type; Ehlers Danlos syndrome, arterial type; Ehlers Danlos syndrome, Sack-Barabas type; Ehlers-Danlos Syndrome Type IV. Identifiers: Orphanet 286, MedGen C0268338, MONDO:0017314, OMIM 130050.

Submissions (6):

Labcorp Genetics (formerly Invitae), Labcorp
Classification: Benign for Ehlers-Danlos syndrome, type 4. Last evaluated: 2026-02-04. Review status: criteria provided, single submitter. Criteria: Invitae Variant Classification Sherloc (09022015). Collection method: clinical testing. Allele origin: germline.

Blueprint Genetics
Classification: Benign. Last evaluated: 2024-11-26. Review status: criteria provided, single submitter. Criteria: ACMG Guidelines, 2015. Collection method: clinical testing. Allele origin: germline.

CHEO Genetics Diagnostic Laboratory, Children's Hospital of Eastern Ontario
Classification: Benign for Familial thoracic aortic aneurysm and aortic dissection. Last evaluated: 2020-09-29. Review status: criteria provided, single submitter. Criteria: ACMG Guidelines, 2015. Collection method: clinical testing. Allele origin: germline.

Ambry Genetics
Classification: Likely benign for Familial thoracic aortic aneurysm and aortic dissection. Last evaluated: 2020-07-07. Review status: criteria provided, single submitter. Criteria: Ambry Variant Classification Scheme 2023. Collection method: clinical testing. Allele origin: germline.

GeneDx
Classification: Benign. Last evaluated: 2019-08-30. Review status: criteria provided, single submitter. Criteria: GeneDx Variant Classification Process June 2021. Collection method: clinical testing. Allele origin: germline. Affected: yes.

GeneDx
Classification: Benign for Thoracic aortic aneurysms and aortic dissections. Last evaluated: 2012-12-26. Review status: flagged submission. Criteria: GeneDx Variant Classification (06012015). Collection method: clinical testing. Allele origin: germline. Affected: yes. Not counted in ClinVar's aggregate classification.
Comment: The variant is found in TAAD panel(s).
ClinVar note: Reason: This record appears to be redundant with a more recent record from the same submitter.
ClinVar note: Notes: SCV000233325 appears to be redundant with SCV001884022.